The following is an entry in ClinVar:

NM_001312673.2(PCYT1A):c.937G>A (p.Ala313Thr)

Gene: PCYT1A (phosphate cytidylyltransferase 1A, choline; minus strand). Cytogenetic location: 3q29.
Variant type: single nucleotide variant.
Coding change: c.937G>A on transcript NM_001312673.2 (MANE Select); coding-DNA position 937, G replaced by A.
Protein change: p.Ala313Thr; replaces alanine 313 with threonine.
Molecular consequence: missense variant.
Genome position (GRCh38, 1-based): chr3:196,238,855, C>T on the plus strand (G>A on the coding strand, the complement: PCYT1A is on the minus strand). VCF-style: chr3-196238855-C-T. GRCh37 (hg19) VCF-style: chr3-195965726-C-T.
Other names: c.937G>A, p.Ala313Thr (NM_005017.4); short protein forms A313T.
Identifiers: ClinVar variation 1504572 (VCV001504572.5), dbSNP rs773520771, ClinGen allele CA2779393.

ClinVar aggregate classification (germline): Uncertain significance (1 of 4 stars; one submission).

Allele frequency attached by ClinVar (database versions not stated): gnomAD exomes 0.00001 and 0.00002; gnomAD 0.00002; TOPMed 0.00002; ExAC 0.00004.

Submission:

Labcorp Genetics (formerly Invitae), Labcorp
Classification: Uncertain significance. Last evaluated: 2021-08-27. Review status: criteria provided, single submitter. Criteria: Invitae Variant Classification Sherloc (09022015). Collection method: clinical testing. Allele origin: germline.
Comment: This sequence change replaces alanine with threonine at codon 313 of the PCYT1A protein (p.Ala313Thr). The alanine residue is moderately conserved and there is a small physicochemical difference between alanine and threonine. This variant is present in population databases (rs773520771, ExAC 0.01%). This variant has not been reported in the literature in individuals affected with PCYT1A-related conditions. Advanced modeling of protein sequence and biophysical properties (such as structural, functional, and spatial information, amino acid conservation, physicochemical variation, residue mobility, and thermodynamic stability) performed at Invitae indicates that this missense variant is not expected to disrupt PCYT1A protein function. In summary, the available evidence is currently insufficient to determine the role of this variant in disease. Therefore, it has been classified as a Variant of Uncertain Significance.